The following is an entry in ClinVar:

NM_006904.7(PRKDC):c.8908A>C (p.Lys2970Gln)

Gene: PRKDC (protein kinase, DNA-activated, catalytic subunit; minus strand). Cytogenetic location: 8q11.21.
Variant type: single nucleotide variant.
Coding change: c.8908A>C on transcript NM_006904.7 (MANE Select); coding-DNA position 8908, A replaced by C.
Protein change: p.Lys2970Gln; replaces lysine 2970 with glutamine.
Molecular consequence: missense variant.
Genome position (GRCh38, 1-based): chr8:47,823,872, T>G on the plus strand (A>C on the coding strand, the complement: PRKDC is on the minus strand). VCF-style: chr8-47823872-T-G. GRCh37 (hg19) VCF-style: chr8-48736433-T-G.
Other names: c.8908A>C, p.Lys2970Gln (NM_001081640.2); short protein forms K2970Q.
Identifiers: ClinVar variation 3225933 (VCV003225933.1), dbSNP rs2551865856, ClinGen allele CA371142286.

ClinVar aggregate classification (germline): Uncertain significance (1 of 4 stars; one submission).

Submission:

Ambry Genetics
Classification: Uncertain significance. Last evaluated: 2023-09-17. Review status: criteria provided, single submitter. Criteria: Ambry Variant Classification Scheme 2023. Collection method: clinical testing. Allele origin: germline.
Comment: The p.K2970Q variant (also known as c.8908A>C), located in coding exon 64 of the PRKDC gene, results from an A to C substitution at nucleotide position 8908. The lysine at codon 2970 is replaced by glutamine, an amino acid with similar properties. This amino acid position is conserved. In addition, the in silico prediction for this alteration is inconclusive. Since supporting evidence is limited at this time, the clinical significance of this alteration remains unclear.